The following is an entry in ClinVar:

NM_000478.6(ALPL):c.792G>T (p.Lys264Asn)

Gene: ALPL (alkaline phosphatase, biomineralization associated; plus strand). Cytogenetic location: 1p36.12.
Variant type: single nucleotide variant.
Coding change: c.792G>T on transcript NM_000478.6 (MANE Select); coding-DNA position 792, G replaced by T.
Protein change: p.Lys264Asn; replaces lysine 264 with asparagine.
Molecular consequence: missense variant.
Genome position (GRCh38, 1-based): chr1:21,568,247, G>T. VCF-style: chr1-21568247-G-T. GRCh37 (hg19) VCF-style: chr1-21894740-G-T.
Other names: c.792G>T, p.Lys264Asn (NM_001369803.2, NM_001369804.2, NM_001369805.2); c.627G>T, p.Lys209Asn (NM_001127501.4); c.561G>T, p.Lys187Asn (NM_001177520.3); short protein forms K187N, K264N, K209N.
Identifiers: ClinVar variation 2706468 (VCV002706468.3), dbSNP rs2545317838, ClinGen allele CA338879511.

ClinVar aggregate classification (germline): Uncertain significance (1 of 4 stars; one submission).

Submission:

Labcorp Genetics (formerly Invitae), Labcorp
Classification: Uncertain significance. Last evaluated: 2023-12-30. Review status: criteria provided, single submitter. Criteria: Invitae Variant Classification Sherloc (09022015). Collection method: clinical testing. Allele origin: germline.
Comment: This sequence change replaces lysine, which is basic and polar, with asparagine, which is neutral and polar, at codon 264 of the ALPL protein (p.Lys264Asn). This variant also falls at the last nucleotide of exon 7, which is part of the consensus splice site for this exon. This variant is not present in population databases (gnomAD no frequency). This variant has not been reported in the literature in individuals affected with ALPL-related conditions. An algorithm developed to predict the effect of missense changes on protein structure and function (PolyPhen-2) suggests that this variant is likely to be disruptive. Variants that disrupt the consensus splice site are a relatively common cause of aberrant splicing (PMID: 17576681, 9536098). Algorithms developed to predict the effect of sequence changes on RNA splicing suggest that this variant may disrupt the consensus splice site. In summary, the available evidence is currently insufficient to determine the role of this variant in disease. Therefore, it has been classified as a Variant of Uncertain Significance.

Literature cited by the submitters: PubMed 17576681; PubMed 9536098.